The following is an entry in ClinVar:

NM_017777.4(MKS1):c.817_818del (p.Gln273fs)

Gene: MKS1 (MKS transition zone complex subunit 1; minus strand). Cytogenetic location: 17q22.
Variant type: Microsatellite.
Coding change: c.817_818del on transcript NM_017777.4 (MANE Select); coding-DNA positions 817 to 818, 2 bases deleted (CA; older notation c.817_818delCA).
Protein change: p.Gln273fs; shifts the reading frame from glutamine 273.
Molecular consequence: frameshift variant.
Genome position (GRCh38, 1-based): chr17:58,213,022-58,213,023, TG deleted on the plus strand (CA on the coding strand, the reverse complement: MKS1 is on the minus strand); deleting any 2 consecutive bases within chr17:58,213,022-58,213,025 gives the same sequence; the c. name uses the placement nearest the transcript's 3' end. VCF-style (leftmost placement, unchanged base first): chr17-58213021-CTG-C. GRCh37 (hg19) VCF-style: chr17-56290382-CTG-C.
Other names: c.208_209del, p.Gln70fs (NM_001321268.2); c.817_818del, p.Gln273fs (NM_001321269.2, NM_001330397.2, NM_001411113.1); short protein forms Q273fs, Q70fs.
Identifiers: ClinVar variation 5014711 (VCV005014711.1).
Genomic context (GRCh38, chr17:58,213,021, plus strand): 5'-TTGGAATGAACTTGCGCTTACATCCTTGAACACTCGCCGTTCCCGCTCCTCCTCCTCCGG[CTG>C]TGCGTGGGGGGAAACATTGTCGATCGTATATTTCCACAGCTCCTGCTTCTCCCCCTCCGT-3'

ClinVar aggregate classification (germline): Pathogenic (1 of 4 stars; one submission).

Conditions:
Ciliopathy. Also called: Ciliopathies. Identifiers: Orphanet 363250, MedGen C4277690, MONDO:0005308, MeSH D000072661.

Submission:

Myriad Genetics, Inc.
Classification: Pathogenic for Ciliopathy. Last evaluated: 2025-07-13. Review status: criteria provided, single submitter. Criteria: Myriad Autosomal Dominant, Autosomal Recessive and X-Linked Classification Criteria (2023). Collection method: clinical testing. Allele origin: unknown.
Comment: NM_017777.3(MKS1):c.817_818delCA(Q273Afs*31) is expected to be pathogenic in the context of MKS1-related disorders. This variant is predicted to lead to an abnormal or absent protein product due to the creation of a premature termination codon in MKS1, a gene where loss-of-function variants are known to be pathogenic. Please note: this variant was assessed in the context of healthy population screening.